The following is an entry in ClinVar:

ClinVar aggregate classification (germline): Pathogenic (1 of 4 stars; one submission).

Conditions:
Familial cancer of breast. Also called: Hereditary breast cancer; BREAST CANCER, FAMILIAL; hereditary breast carcinoma. Identifiers: Orphanet 227535, MedGen C0346153, MONDO:0016419, OMIM 114480. Disease mechanism: loss of function.

Submission:

Myriad Genetics, Inc.
Classification: Pathogenic for Familial cancer of breast. Last evaluated: 2023-09-14. Review status: criteria provided, single submitter. Criteria: Myriad Autosomal Dominant, Autosomal Recessive and X-Linked Classification Criteria (2023). Collection method: clinical testing. Allele origin: unknown.
Comment: This variant is considered pathogenic. This variant creates a frameshift predicted to result in premature protein truncation.

NM_024675.4(PALB2):c.3161del (p.Ser1054fs)

Gene: PALB2 (partner and localizer of BRCA2; minus strand). Cytogenetic location: 16p12.2.
Variant type: Deletion.
Coding change: c.3161del on transcript NM_024675.4 (MANE Select); coding-DNA position 3161, one base deleted (C; older notation c.3161delC).
Protein change: p.Ser1054fs; shifts the reading frame from serine 1054.
Molecular consequence: frameshift variant. On other transcripts: intron variant (3).
Genome position (GRCh38, 1-based): chr16:23,614,044, G deleted on the plus strand (C on the coding strand, the reverse complement: PALB2 is on the minus strand). VCF-style (leftmost placement, unchanged base first): chr16-23614043-AG-A. GRCh37 (hg19) VCF-style: chr16-23625364-AG-A.
Other names: c.3101del, p.Ser1034fs (NM_001407296.1); c.3089del, p.Ser1030fs (NM_001407297.1); c.2999del, p.Ser1000fs (NM_001407298.1, NM_001407302.1); c.2882del, p.Ser961fs (NM_001407300.1); c.3161del, p.Ser1054fs (NM_001407301.1); c.2276del, p.Ser759fs (NM_001407304.1, NM_001407305.1, NM_001407306.1 and 2 more transcripts); c.2114del, p.Ser705fs (NM_001407307.1); c.1373del, p.Ser458fs (NM_001407312.1, NM_001407313.1); and 3 more; short protein forms S1000fs, S1030fs, S1034fs, S1054fs, S232fs, S458fs, S705fs, S759fs.
Identifiers: ClinVar variation 2674100 (VCV002674100.1), dbSNP rs2506265842, ClinGen allele CA2695197602.